The following is an entry in ClinVar:

ClinVar aggregate classification (germline): Uncertain significance (1 of 4 stars; one submission).

Conditions:
Frontometaphyseal dysplasia (FMD1). Identifiers: Orphanet 1826, MedGen C0265293, MONDO:0015942.
Melnick-Needles syndrome (MNS). Also called: MELNICK-NEEDLES OSTEODYSPLASTY; OSTEODYSPLASTY OF MELNICK AND NEEDLES; Melnick-Needles Syndrome (FLNA-MNS). Identifiers: Orphanet 2484, MedGen C0025237, MONDO:0010650, OMIM 309350.
Oto-palato-digital syndrome, type II (OPD2). Also called: FACIOPALATOOSSEOUS SYNDROME; Otopalatodigital Syndrome, Type II; OPD II SYNDROME; Otopalatodigital Syndrome Type 2 (FLNA-OPD2). Identifiers: Orphanet 669, Orphanet 90652, MedGen C1844696, MONDO:0010571, OMIM 304120.
Heterotopia, periventricular, X-linked dominant (PVNH1). Also called: PERIVENTRICULAR NODULAR HETEROTOPIA 1; X-linked periventricular heterotopia; PERIVENTRICULAR NODULAR HETEROTOPIA 4; HETEROTOPIA, PERIVENTRICULAR, 1. Identifiers: Orphanet 2149, Orphanet 82004, MedGen C1848213, MONDO:0010233, OMIM 300049.
Otopalatodigital Spectrum Disorders. Identifiers: MedGen CN043653.
Cardiac valvular dysplasia, X-linked (CVDPX). Also called: Congenital valvular dysplasia; Isolated X-Linked Cardiac Valvular Dysplasia; MYXOMATOUS VALVULAR DYSTROPHY, X-LINKED; VALVULAR HEART DISEASE, CONGENITAL; FLNA-Related X-linked Cardiac Valvular Dysplasia. Identifiers: Orphanet 1864, Orphanet 555877, Orphanet 75497, MedGen C0262436, MONDO:0010753, OMIM 314400.

Submission:

Labcorp Genetics (formerly Invitae), Labcorp
Classification: Uncertain significance for Oto-palato-digital syndrome, type II; Heterotopia, periventricular, X-linked dominant; Frontometaphyseal dysplasia; Melnick-Needles syndrome. Last evaluated: 2020-05-23. Review status: criteria provided, single submitter. Criteria: Invitae Variant Classification Sherloc (09022015). Collection method: clinical testing. Allele origin: germline.
Comment: In summary, the available evidence is currently insufficient to determine the role of this variant in disease. Therefore, it has been classified as a Variant of Uncertain Significance. Algorithms developed to predict the effect of missense changes on protein structure and function output the following: SIFT: "Deleterious"; PolyPhen-2: "Benign"; Align-GVGD: "Class C0". The aspartic acid amino acid residue is found in multiple mammalian species, suggesting that this missense change does not adversely affect protein function. These predictions have not been confirmed by published functional studies and their clinical significance is uncertain. This variant has not been reported in the literature in individuals with FLNA-related conditions. This variant is not present in population databases (ExAC no frequency). This sequence change replaces glutamic acid with aspartic acid at codon 159 of the FLNA protein (p.Glu159Asp). The glutamic acid residue is highly conserved and there is a small physicochemical difference between glutamic acid and aspartic acid.

NM_001110556.2(FLNA):c.477G>C (p.Glu159Asp)

Gene: FLNA (filamin A; minus strand). Cytogenetic location: Xq28.
Variant type: single nucleotide variant.
Coding change: c.477G>C on transcript NM_001110556.2 (MANE Select); coding-DNA position 477, G replaced by C.
Protein change: p.Glu159Asp; replaces glutamic acid 159 with aspartic acid.
Molecular consequence: missense variant.
Genome position (GRCh38, 1-based): chrX:154,367,987, C>G on the plus strand (G>C on the coding strand, the complement: FLNA is on the minus strand). VCF-style: chrX-154367987-C-G. GRCh37 (hg19) VCF-style: chrX-153596355-C-G.
Other names: c.477G>C, p.Glu159Asp (NM_001456.4); short protein forms E159D.
Identifiers: ClinVar variation 1024355 (VCV001024355.12), dbSNP rs2067775793, ClinGen allele CA415250186.
Genomic context (GRCh38, chrX:154,367,987, plus strand): 5'-CTTGTTCTGGATCCAGCCCAGGAGCCTCTGCTTGGGGGTCTGCTTCTTGGCCTCCTCATC[C>G]TCCTCCTCGTCCCACATGGGCATGGAGATGGAGTAGTGCAGGATCAGGGTCCAGATGAGG-3'
Protein context (NP_001104026.1, residues 149-169): SISMPMWDEE[Glu159Asp]DEEAKKQTPK